The following is an entry in ClinVar:

ClinVar aggregate classification (germline): Benign. Review status: criteria provided, multiple submitters, no conflicts (2 of 4 stars). 3 submissions from 3 submitters: Benign (2). 1 of the submissions does not count toward it. Last evaluated 2019-12-31.

Conditions:
ADAMTS3-related disorder. Also called: ADAMTS3-related condition.

Allele frequency attached by ClinVar (database versions not stated): gnomAD exomes 0.00091 and 0.00225; 1000 Genomes Project 30x 0.00874; ESP Exome Variant Server 0.00930; gnomAD 0.01018 and 0.00936; 1000 Genomes Project 0.00799; ExAC 0.00265; TOPMed 0.01063.
gnomAD v4.1: 2,803 of 1,613,984 alleles (0.17%); highest among the groups gnomAD compares: African/African-American, 3.4%; 47 homozygotes.

Submissions (3):

Labcorp Genetics (formerly Invitae), Labcorp
Classification: Benign. Last evaluated: 2019-12-31. Review status: criteria provided, single submitter. Criteria: Invitae Variant Classification Sherloc (09022015). Collection method: clinical testing. Allele origin: germline.

Breakthrough Genomics
Classification: Benign. Review status: criteria provided, single submitter. Criteria: ACMG Guidelines, 2015. Collection method: not provided. Allele origin: germline. Inheritance: Autosomal recessive inheritance. Affected: yes.

PreventionGenetics, part of Exact Sciences
Classification: Benign for ADAMTS3-related condition. Last evaluated: 2019-02-19. Review status: no assertion criteria provided. Collection method: clinical testing. Allele origin: germline. Not counted in ClinVar's aggregate classification.
Comment: This variant is classified as benign based on ACMG/AMP sequence variant interpretation guidelines (Richards et al. 2015 PMID: 25741868, with internal and published modifications).

NM_014243.3(ADAMTS3):c.3443C>T (p.Pro1148Leu)

Gene: ADAMTS3 (ADAM metallopeptidase with thrombospondin type 1 motif 3; minus strand). Cytogenetic location: 4q13.3.
Variant type: single nucleotide variant.
Coding change: c.3443C>T on transcript NM_014243.3 (MANE Select); coding-DNA position 3443, C replaced by T.
Protein change: p.Pro1148Leu; replaces proline 1148 with leucine.
Molecular consequence: missense variant.
Genome position (GRCh38, 1-based): chr4:72,283,311, G>A on the plus strand (C>T on the coding strand, the complement: ADAMTS3 is on the minus strand). VCF-style: chr4-72283311-G-A. GRCh37 (hg19) VCF-style: chr4-73149028-G-A.
Other names: short protein forms P1148L.
Identifiers: ClinVar variation 787029 (VCV000787029.7), dbSNP rs35780102, ClinGen allele CA2956371.
Genomic context (GRCh38, chr4:72,283,311, plus strand): 5'-GAAGCAGCAGCCATTTGTGAAGCTGAACTGAGGTGGACCCTCTTGGTGGGTGGGGAGGAT[G>A]GTACGGTGACCAGTCTCACAGTCTTACTTCCTGCTTGCTGAGCACTCCTCTGGCGTAAAT-3'
Protein context (NP_055058.2, residues 1138-1158): GSKTVRLVTV[Pro1148Leu]SSPPTKRVHL